The following is an entry in ClinVar:

NM_012179.4(FBXO7):c.694G>A (p.Gly232Arg)

Gene: FBXO7 (F-box protein 7; plus strand). Cytogenetic location: 22q12.3.
Variant type: single nucleotide variant.
Coding change: c.694G>A on transcript NM_012179.4 (MANE Select); coding-DNA position 694, G replaced by A.
Protein change: p.Gly232Arg; replaces glycine 232 with arginine.
Molecular consequence: missense variant.
Genome position (GRCh38, 1-based): chr22:32,485,116, G>A. VCF-style: chr22-32485116-G-A. GRCh37 (hg19) VCF-style: chr22-32881103-G-A.
Other names: c.457G>A, p.Gly153Arg (NM_001033024.2); c.352G>A, p.Gly118Arg (NM_001257990.2); short protein forms G118R, G153R, G232R.
Identifiers: ClinVar variation 4529738 (VCV004529738.1).
Genomic context (GRCh38, chr22:32,485,116, plus strand): 5'-TTCGTTCCCCAGGGCACCGAAGCCAAAGCACTGTCCATGCCGGAGAAGTGGAAGTTGAGC[G>A]GGGTGTATAAGCTGCAGTACATGCATCCTCTCTGCGAGGGCAGCTCCGCTACTCTCACCT-3'
Protein context (NP_036311.3, residues 222-242): LSMPEKWKLS[Gly232Arg]VYKLQYMHPL

ClinVar aggregate classification (germline): Uncertain significance (1 of 4 stars; one submission).

gnomAD v4.1: 42 of 1,614,074 alleles (0.0026%); highest among the groups gnomAD compares: South Asian, 0.03%; no homozygotes.

Submission:

GeneDx
Classification: Uncertain significance. Last evaluated: 2025-05-13. Review status: criteria provided, single submitter. Criteria: GeneDx Variant Classification Process June 2021. Collection method: clinical testing. Allele origin: germline. Affected: yes.
Comment: Reported previously as a heterozygous variant in a patient with symptoms of young-onset Parkinson disease (PMID: 35810474); In silico analysis supports that this missense variant has a deleterious effect on protein structure/function; This variant is associated with the following publications: (PMID: 35810474)